The following is an entry in ClinVar:

NM_007055.4(POLR3A):c.3100G>T (p.Gly1034Cys)

Gene: POLR3A (RNA polymerase III subunit A; minus strand). Cytogenetic location: 10q22.3.
Variant type: single nucleotide variant.
Coding change: c.3100G>T on transcript NM_007055.4 (MANE Select); coding-DNA position 3100, G replaced by T.
Protein change: p.Gly1034Cys; replaces glycine 1034 with cysteine.
Molecular consequence: missense variant.
Genome position (GRCh38, 1-based): chr10:77,985,312, C>A on the plus strand (G>T on the coding strand, the complement: POLR3A is on the minus strand). VCF-style: chr10-77985312-C-A. GRCh37 (hg19) VCF-style: chr10-79745070-C-A.
Other names: short protein forms G1034C.
Identifiers: ClinVar variation 1302693 (VCV001302693.3), dbSNP rs1221825194, ClinGen allele CA377331424.
Genomic context (GRCh38, chr10:77,985,312, plus strand): 5'-GGAAAGTCTTCAGGGTCATCTGGGTGCCTGGCTCACCAATGCTCTGGGCACACAGAGCAC[C>A]CACTGCAGAACCTGGCTCCATCTGTGCCCTAGAAGGCAAAGGTATGGATGAGATTGCAGC-3'
Protein context (NP_008986.2, residues 1024-1044): RAQMEPGSAV[Gly1034Cys]ALCAQSIGEP

ClinVar aggregate classification (germline): Uncertain significance (1 of 4 stars; one submission).

Allele frequency attached by ClinVar (database versions not stated): gnomAD exomes below 0.00001; TOPMed 0.00001.
gnomAD v4.1: 2 of 1,614,042 alleles (0.00012%); highest among the groups gnomAD compares: South Asian, 0.0011%; no homozygotes.

Submission:

GeneDx
Classification: Uncertain significance. Last evaluated: 2022-05-03. Review status: criteria provided, single submitter. Criteria: GeneDx Variant Classification Process June 2021. Collection method: clinical testing. Allele origin: germline. Affected: yes.
Comment: Not observed in large population cohorts (gnomAD); In silico analysis, which includes protein predictors and evolutionary conservation, supports a deleterious effect; Has not been previously published as pathogenic or benign to our knowledge